The following is an entry in ClinVar:

ClinVar aggregate classification (germline): Benign/Likely benign. Review status: criteria provided, multiple submitters, no conflicts (2 of 4 stars). 4 submissions from 4 submitters: Benign (2); Likely benign (1). 1 of the submissions does not count toward it. Last evaluated 2026-01-15.

Conditions:
ELP4-related disorder. Also called: ELP4-related condition.

Allele frequency attached by ClinVar (database versions not stated): 1000 Genomes Project 0.00260; TOPMed 0.00421; gnomAD 0.00459 and 0.00474; gnomAD exomes 0.00642 and 0.00577; 1000 Genomes Project 30x 0.00265; ESP Exome Variant Server 0.00572; ExAC 0.00575.
gnomAD v4.1: 10,101 of 1,614,064 alleles (0.63%); highest among the groups gnomAD compares: Middle Eastern, 1.4%; 57 homozygotes.

Submissions (4):

Labcorp Genetics (formerly Invitae), Labcorp
Classification: Benign. Last evaluated: 2026-01-15. Review status: criteria provided, single submitter. Criteria: Invitae Variant Classification Sherloc (09022015). Collection method: clinical testing. Allele origin: germline.

Genomic Medicine Center of Excellence, King Faisal Specialist Hospital and Research Centre
Classification: Likely benign. Last evaluated: 2025-08-18. Review status: criteria provided, single submitter. Criteria: ACMG Guidelines, 2015. Collection method: clinical testing. Allele origin: germline.

Breakthrough Genomics
Classification: Benign. Review status: criteria provided, single submitter. Criteria: ACMG Guidelines, 2015. Collection method: not provided. Allele origin: germline. Inheritance: Autosomal dominant inheritance. Affected: yes.

PreventionGenetics, part of Exact Sciences
Classification: Benign for ELP4-related condition. Last evaluated: 2019-06-12. Review status: no assertion criteria provided. Collection method: clinical testing. Allele origin: germline. Not counted in ClinVar's aggregate classification.
Comment: This variant is classified as benign based on ACMG/AMP sequence variant interpretation guidelines (Richards et al. 2015 PMID: 25741868, with internal and published modifications).

NM_019040.5(ELP4):c.1181G>C (p.Ser394Thr)

Gene: ELP4 (elongator acetyltransferase complex subunit 4; plus strand). Cytogenetic location: 11p13.
Variant type: single nucleotide variant.
Coding change: c.1181G>C on transcript NM_019040.5 (MANE Select); coding-DNA position 1181, G replaced by C.
Protein change: p.Ser394Thr; replaces serine 394 with threonine.
Molecular consequence: missense variant. On other transcripts: 3 prime UTR variant (1).
Genome position (GRCh38, 1-based): chr11:31,783,430, G>C. VCF-style: chr11-31783430-G-C. GRCh37 (hg19) VCF-style: chr11-31804978-G-C.
Other names: c.1323G>C, p.Glu441Asp (NM_001288725.2); c.*1G>C (NM_001288726.2); short protein forms E441D, S394T.
Identifiers: ClinVar variation 707248 (VCV000707248.13), dbSNP rs3026404, ClinGen allele CA5933566.
Genomic context (GRCh38, chr11:31,783,430, plus strand): 5'-TCTCCTGAAATCTTCTGCCATAGCGACTGCATTTGCCTCCAGACTTGTCAGACACAGTGA[G>C]CCGCTCAAGCAAAATGGATCTGGCAGAATCCGCCAAGCGGCTGGGCCCAGGCTGTGGCAT-3'
Protein context (NP_061913.3, residues 384-404): HLPPDLSDTV[Ser394Thr]RSSKMDLAES